The following is an entry in ClinVar:

ClinVar aggregate classification (germline): Pathogenic. Review status: criteria provided, single submitter (1 of 4 stars). 4 submissions from 4 submitters: Pathogenic (1). 3 of the submissions do not count toward it. Last evaluated 2017-06-21.

Conditions:
Skeletal dysplasia. Also called: Primary bone dysplasia. Identifiers: Orphanet 364526, MedGen C0410528, MONDO:0018230, HP:0002652.
Metatropic dysplasia (MTD). Also called: Metatropic dysplasia, nonlethal dominant; Metatropic Dysplasia, TRPV4-Related; METATROPIC DWARFISM. Identifiers: Orphanet 2635, MedGen C0265281, MONDO:0007986, OMIM 156530.

Submissions (4):

GeneDx
Classification: Pathogenic. Last evaluated: 2017-06-21. Review status: criteria provided, single submitter. Criteria: GeneDx Variant Classification (06012015). Collection method: clinical testing. Allele origin: germline. Affected: yes.
Comment: The L618P pathogenic variant in the TRPV4 gene has been reported previously in at least two individuals with metatropic dysplasia, one of whom had a lethal phenotype and the other of whom had a non-lethal phenotype but was found to have the L618P variant in the mosaic state (Camacho et al., 2010; Weinstein et al., 2016). Functional studies demonstrate that L618P is associated with TRPV4 channel over-activity (Loukin et al., 2011). The L618P variant is not observed in large population cohorts (Lek et al., 2016; 1000 Genomes Consortium et al., 2015; Exome Variant Server). The L618P variant is a semi-conservative amino acid substitution, which may impact secondary protein structure as these residues differ in some properties. This substitution occurs at a position that is conserved across species. We interpret L618P as a pathogenic variant.

OMIM
Classification: Pathogenic for METATROPIC DYSPLASIA. Last evaluated: 2010-05-01. Review status: no assertion criteria provided. Collection method: literature only. Allele origin: unknown. Not counted in ClinVar's aggregate classification.

GeneReviews
No classification provided. Condition: Skeletal dysplasia. Review status: no classification provided. Collection method: literature only. Allele origin: germline. Affected: yes. Not counted in ClinVar's aggregate classification.

University of Washington Center for Mendelian Genomics, University of Washington
Classification: Likely pathogenic for Metatropic Dysplasia. Review status: no assertion criteria provided. Collection method: research. Allele origin: inherited. Affected: yes. Observed: 1 mosaic individual. Not counted in ClinVar's aggregate classification.

Literature cited by the submitters: PubMed 20425821 (cited by OMIM); PubMed 27530454 (cited by OMIM and University of Washington Center for Mendelian Genomics, University of Washington); NCBI Bookshelf NBK201366 (cited by GeneReviews).

NM_021625.5(TRPV4):c.1853T>C (p.Leu618Pro)

Gene: TRPV4 (transient receptor potential cation channel subfamily V member 4; minus strand). Cytogenetic location: 12q24.11.
Variant type: single nucleotide variant.
Coding change: c.1853T>C on transcript NM_021625.5 (MANE Select); coding-DNA position 1853, T replaced by C.
Protein change: p.Leu618Pro; replaces leucine 618 with proline.
Molecular consequence: missense variant.
Genome position (GRCh38, 1-based): chr12:109,792,401, A>G on the plus strand (T>C on the coding strand, the complement: TRPV4 is on the minus strand). VCF-style: chr12-109792401-A-G. GRCh37 (hg19) VCF-style: chr12-110230206-A-G.
Other names: c.1673T>C, p.Leu558Pro (NM_147204.3); c.1712T>C, p.Leu571Pro (NM_001177428.2); c.1751T>C, p.Leu584Pro (NM_001177431.2); c.1532T>C, p.Leu511Pro (NM_001177433.2); short protein forms L584P, L558P, L571P, L511P.
Identifiers: ClinVar variation 126473 (VCV000126473.5), dbSNP rs515726163, ClinGen allele CA347744.
Genomic context (GRCh38, chr12:109,792,401, plus strand): 5'-CACCTGAGCACCCAGAGCTCACCTGAAGCGTAGCCGATCATGAAGAGCAAGTAGACGAGC[A>G]GGAATCGGAAAAGGTCCTTGAAGAGAATCTAAAGACCCCAGCGGGATTATGGAGGCAAAG-3'
Protein context (NP_067638.3, residues 608-628): KILFKDLFRF[Leu618Pro]LVYLLFMIGY